The following is an entry in ClinVar:

ClinVar aggregate classification (germline): Pathogenic (1 of 4 stars; one submission).

Conditions:
Fanconi anemia complementation group J. Also called: BRIP1-Related Fanconi Anemia. Identifiers: Orphanet 84, MedGen C1836860, MONDO:0012187, OMIM 609054.
Familial cancer of breast. Also called: BREAST CANCER, FAMILIAL; Hereditary breast cancer; hereditary breast carcinoma. Identifiers: Orphanet 227535, MedGen C0346153, MONDO:0016419, OMIM 114480. Disease mechanism: loss of function.

Submission:

Labcorp Genetics (formerly Invitae), Labcorp
Classification: Pathogenic for Familial cancer of breast; Fanconi anemia complementation group J. Last evaluated: 2023-04-20. Review status: criteria provided, single submitter. Criteria: Invitae Variant Classification Sherloc (09022015). Collection method: clinical testing. Allele origin: germline.
Comment: For these reasons, this variant has been classified as Pathogenic. This variant has not been reported in the literature in individuals affected with BRIP1-related conditions. This variant is not present in population databases (gnomAD no frequency). This sequence change creates a premature translational stop signal (p.Gln168Serfs*26) in the BRIP1 gene. It is expected to result in an absent or disrupted protein product. Loss-of-function variants in BRIP1 are known to be pathogenic (PMID: 16116423, 17033622, 21964575).

Literature cited by the submitters: PubMed 16116423; PubMed 17033622; PubMed 21964575.

NM_032043.3(BRIP1):c.502del (p.Gln168fs)

Gene: BRIP1 (BRCA1 interacting DNA helicase 1; minus strand). Cytogenetic location: 17q23.2.
Variant type: Deletion.
Coding change: c.502del on transcript NM_032043.3 (MANE Select); coding-DNA position 502, one base deleted (C; older notation c.502delC).
Protein change: p.Gln168fs; shifts the reading frame from glutamine 168.
Molecular consequence: frameshift variant.
Genome position (GRCh38, 1-based): chr17:61,849,134, G deleted on the plus strand (C on the coding strand, the reverse complement: BRIP1 is on the minus strand). VCF-style (leftmost placement, unchanged base first): chr17-61849133-TG-T. GRCh37 (hg19) VCF-style: chr17-59926494-TG-T.
Other names: short protein forms Q168fs.
Identifiers: ClinVar variation 2946954 (VCV002946954.3), dbSNP rs2545418630, ClinGen allele CA2740093902.